The following is an entry in ClinVar:

NM_183381.3(RNF13):c.1086T>G (p.Asp362Glu)

Gene: RNF13 (ring finger protein 13; plus strand). Cytogenetic location: 3q25.1.
Variant type: single nucleotide variant.
Coding change: c.1086T>G on transcript NM_183381.3 (MANE Select); coding-DNA position 1086, T replaced by G.
Protein change: p.Asp362Glu; replaces aspartic acid 362 with glutamic acid.
Molecular consequence: missense variant. On other transcripts: non-coding transcript variant (1).
Genome position (GRCh38, 1-based): chr3:149,961,044, T>G. VCF-style: chr3-149961044-T-G. GRCh37 (hg19) VCF-style: chr3-149678831-T-G.
Other names: c.1086T>G, p.Asp362Glu (NM_007282.4, NM_001378285.1, NM_001378286.1); c.729T>G, p.Asp243Glu (NM_183383.2, NM_001378287.1, NM_001378288.1 and 2 more transcripts); c.693T>G, p.Asp231Glu (NM_001378291.1); short protein forms D231E, D362E, D243E.
Identifiers: ClinVar variation 3647140 (VCV003647140.2).

ClinVar aggregate classification (germline): Uncertain significance (1 of 4 stars; one submission).

Submission:

Labcorp Genetics (formerly Invitae), Labcorp
Classification: Uncertain significance. Last evaluated: 2024-03-21. Review status: criteria provided, single submitter. Criteria: Invitae Variant Classification Sherloc (09022015). Collection method: clinical testing. Allele origin: germline.
Comment: This sequence change replaces aspartic acid, which is acidic and polar, with glutamic acid, which is acidic and polar, at codon 362 of the RNF13 protein (p.Asp362Glu). This variant is not present in population databases (gnomAD no frequency). This variant has not been reported in the literature in individuals affected with RNF13-related conditions. An algorithm developed to predict the effect of missense changes on protein structure and function (PolyPhen-2) suggests that this variant is likely to be tolerated. In summary, the available evidence is currently insufficient to determine the role of this variant in disease. Therefore, it has been classified as a Variant of Uncertain Significance.